The following is an entry in ClinVar:

NM_001267550.2(TTN):c.107920G>A (p.Gly35974Arg)

Genes: TTN (titin; minus strand), TTN-AS1 (TTN antisense RNA 1; plus strand). Cytogenetic location: 2q31.2.
Variant type: single nucleotide variant.
Coding change: c.107920G>A on transcript NM_001267550.2 (MANE Select); coding-DNA position 107920, G replaced by A.
Protein change: p.Gly35974Arg; replaces glycine 35974 with arginine.
Molecular consequence: missense variant.
Genome position (GRCh38, 1-based): chr2:178,527,068, C>T on the plus strand (G>A on the coding strand, the complement: TTN is on the minus strand). VCF-style: chr2-178527068-C-T. GRCh37 (hg19) VCF-style: chr2-179391795-C-T.
Other names: c.102997G>A, p.Gly34333Arg (NM_001256850.1); c.80725G>A, p.Gly26909Arg (NM_003319.4); c.100216G>A, p.Gly33406Arg (NM_133378.4); c.81100G>A, p.Gly27034Arg (NM_133432.3); c.81301G>A, p.Gly27101Arg (NM_133437.4); short protein forms G26909R, G27034R, G27101R, G33406R, G34333R, G35974R.
Identifiers: ClinVar variation 2438149 (VCV002438149.28), dbSNP rs372653064, ClinGen allele CA1984856.

ClinVar aggregate classification (germline): Uncertain significance. Review status: criteria provided, multiple submitters, no conflicts (2 of 4 stars). 3 submissions from 3 submitters: Uncertain significance (3). Last evaluated 2026-03-10.

Conditions:
TTN-related disorder. Also called: TTN-related condition; TTN-related disease; TTN-related disorders.

Allele frequency attached by ClinVar (database versions not stated): ExAC 0.00001; gnomAD 0.00001; TOPMed 0.00001.
gnomAD v4.1: 16 of 1,613,758 alleles (0.00099%); highest among the groups gnomAD compares: Middle Eastern, 0.016%; 1 homozygote.

Submissions (3):

PreventionGenetics, part of Exact Sciences
Classification: Uncertain significance for TTN-related condition. Last evaluated: 2026-03-10. Review status: criteria provided, single submitter. Criteria: ACMG Guidelines, 2015. Collection method: clinical testing. Allele origin: germline.
Comment: The TTN c.107920G>A variant is predicted to result in the amino acid substitution p.Gly35974Arg. To our knowledge, this variant has not been reported in the literature. This variant is reported in 0.0016% of alleles in individuals of European (Non-Finnish) descent in gnomAD. At this time, the clinical significance of this variant is uncertain due to the absence of conclusive functional and genetic evidence.

CeGaT Center for Human Genetics Tuebingen
Classification: Uncertain significance. Last evaluated: 2022-08-01. Review status: criteria provided, single submitter. Criteria: CeGaT Center For Human Genetics Tuebingen Variant Classification Criteria Version 2. Collection method: clinical testing. Allele origin: germline. Affected: yes. Observed: 1 variant allele.
Comment: TTN: PM2

Revvity Omics, Revvity
Classification: Uncertain significance. Last evaluated: 2021-05-26. Review status: criteria provided, single submitter. Criteria: ACMG Guidelines, 2015. Collection method: clinical testing. Allele origin: germline.